The following is an entry in ClinVar:

NM_006514.4(SCN10A):c.3824T>C (p.Val1275Ala)

Gene: SCN10A (sodium voltage-gated channel alpha subunit 10; minus strand). Cytogenetic location: 3p22.2.
Variant type: single nucleotide variant.
Coding change: c.3824T>C on transcript NM_006514.4 (MANE Select); coding-DNA position 3824, T replaced by C.
Protein change: p.Val1275Ala; replaces valine 1275 with alanine.
Molecular consequence: missense variant.
Genome position (GRCh38, 1-based): chr3:38,712,426, A>G on the plus strand (T>C on the coding strand, the complement: SCN10A is on the minus strand). VCF-style: chr3-38712426-A-G. GRCh37 (hg19) VCF-style: chr3-38753917-A-G.
Other names: c.3821T>C, p.Val1274Ala (NM_001293306.2); c.3530T>C, p.Val1177Ala (NM_001293307.2); short protein forms V1274A, V1177A, V1275A.
Identifiers: ClinVar variation 1735288 (VCV001735288.5), dbSNP rs1420061502, ClinGen allele CA352151376.

ClinVar aggregate classification (germline): Uncertain significance. Review status: criteria provided, multiple submitters, no conflicts (2 of 4 stars). 2 submissions from 2 submitters: Uncertain significance (2). Last evaluated 2026-01-21.

Conditions:
Brugada syndrome. Also called: Sudden Unexplained Death Syndrome; Sudden Unexplained Nocturnal Death Syndrome (SUNDS); Sudden unexplained nocturnal death syndrome; Sudden unexpected nocturnal death syndrome. Identifiers: Orphanet 130, MedGen C1142166, MONDO:0015263.
Cardiovascular phenotype. Identifiers: MedGen CN230736.

Allele frequency attached by ClinVar (database versions not stated): gnomAD exomes below 0.00001; TOPMed below 0.00001.

Submissions (2):

Labcorp Genetics (formerly Invitae), Labcorp
Classification: Uncertain significance for Brugada syndrome. Last evaluated: 2026-01-21. Review status: criteria provided, single submitter. Criteria: Invitae Variant Classification Sherloc (09022015). Collection method: clinical testing. Allele origin: germline.
Comment: This sequence change replaces valine, which is neutral and non-polar, with alanine, which is neutral and non-polar, at codon 1275 of the SCN10A protein (p.Val1275Ala). This variant is present in population databases (no rsID available, gnomAD 0.0009%). This variant has not been reported in the literature in individuals affected with SCN10A-related conditions. ClinVar contains an entry for this variant (Variation ID: 1735288). Invitae Evidence Modeling of protein sequence and biophysical properties (such as structural, functional, and spatial information, amino acid conservation, physicochemical variation, residue mobility, and thermodynamic stability) indicates that this missense variant is not expected to disrupt SCN10A protein function with a negative predictive value of 80%. In summary, the available evidence is currently insufficient to determine the role of this variant in disease. Therefore, it has been classified as a Variant of Uncertain Significance.

Ambry Genetics
Classification: Uncertain significance for Cardiovascular phenotype. Last evaluated: 2025-08-06. Review status: criteria provided, single submitter. Criteria: Ambry Variant Classification Scheme 2023. Collection method: clinical testing. Allele origin: germline.
Comment: The p.V1275A variant (also known as c.3824T>C), located in coding exon 22 of the SCN10A gene, results from a T to C substitution at nucleotide position 3824. The valine at codon 1275 is replaced by alanine, an amino acid with similar properties. This amino acid position is conserved. In addition, the in silico prediction for this alteration is inconclusive. Since supporting evidence is limited at this time, the clinical significance of this alteration remains unclear.